The following is an entry in ClinVar:

ClinVar aggregate classification (germline): Conflicting classifications of pathogenicity. Review status: criteria provided, conflicting classifications (1 of 4 stars). 5 submissions from 5 submitters: Pathogenic (1); Likely pathogenic (2); Uncertain significance (1). 1 of the submissions does not count toward it. Last evaluated 2026-04-10.

Conditions:
Malignant tumor of breast. Also called: Malignant breast neoplasm; Cancer breast. Identifiers: MedGen C0006142, MONDO:0007254. Disease mechanism: loss of function.
Familial cancer of breast. Also called: hereditary breast carcinoma; Hereditary breast cancer; BREAST CANCER, FAMILIAL. Identifiers: Orphanet 227535, MedGen C0346153, MONDO:0016419, OMIM 114480. Disease mechanism: loss of function.
Hereditary cancer-predisposing syndrome. Also called: Tumor predisposition; Hereditary Cancer Syndrome; Neoplastic Syndromes, Hereditary; Hereditary neoplastic syndrome. Identifiers: Orphanet 140162, MedGen C0027672, MeSH D009386, MONDO:0015356.

Allele frequency attached by ClinVar (database versions not stated): ExAC 0.00002.

Submissions (5):

Ambry Genetics
Classification: Uncertain significance for Hereditary cancer-predisposing syndrome. Last evaluated: 2026-04-10. Review status: criteria provided, single submitter. Criteria: Ambry Variant Classification Scheme 2023. Collection method: clinical testing. Allele origin: germline.
Comment: The c.683+2T>C intronic variant results from a T to C substitution two nucleotides after coding exon 4 in the CHEK2 gene. This variant was observed in 1/3251 individuals who met eligibility criteria for hereditary breast and ovarian cancer syndrome (Lerner-Ellis J et al. J Cancer Res Clin Oncol, 2021 Mar;147:871-879). This nucleotide position is highly conserved in available vertebrate species. In silico splice site analysis predicts that this alteration will weaken the native splice donor site. Alterations that disrupt the canonical splice site are expected to cause aberrant splicing, resulting in an abnormal protein or a transcript that is subject to nonsense-mediated mRNA decay; however, +2T>C alterations are capable of generating wild-type transcripts in some genomic contexts and should be interpreted with caution (Lin JH et al. Hum Mutat. 2019 10;40:1856-1873). Based on the available evidence, the clinical significance of this variant remains unclear.

Labcorp Genetics (formerly Invitae), Labcorp
Classification: Likely pathogenic for Familial cancer of breast. Last evaluated: 2025-07-23. Review status: criteria provided, single submitter. Criteria: Invitae Variant Classification Sherloc (09022015). Collection method: clinical testing. Allele origin: germline.
Comment: This sequence change affects a donor splice site in intron 5 of the CHEK2 gene. It is expected to disrupt RNA splicing. Variants that disrupt the donor or acceptor splice site typically lead to a loss of protein function (PMID: 16199547), and loss-of-function variants in CHEK2 are known to be pathogenic (PMID: 21876083, 24713400). The frequency data for this variant in the population databases is considered unreliable, as metrics indicate poor data quality at this position in the gnomAD database. Disruption of this splice site has been observed in individual(s) with breast cancer (PMID: 32885271, 38091153). ClinVar contains an entry for this variant (Variation ID: 565542). Algorithms developed to predict the effect of sequence changes on RNA splicing suggest that this variant may disrupt the consensus splice site. In summary, the currently available evidence indicates that the variant is pathogenic, but additional data are needed to prove that conclusively. Therefore, this variant has been classified as Likely Pathogenic.

Myriad Genetics, Inc.
Classification: Likely pathogenic for Familial cancer of breast. Last evaluated: 2023-06-26. Review status: criteria provided, single submitter. Criteria: Myriad Autosomal Dominant, Autosomal Recessive and X-Linked Classification Criteria (2023). Collection method: clinical testing. Allele origin: unknown.
Comment: This variant is considered likely pathogenic. This variant occurs within a consensus splice junction and is predicted to result in abnormal mRNA splicing of either an out-of-frame exon or an in-frame exon necessary for protein stability and/or normal function.

Centre for Mendelian Genomics, University Medical Centre Ljubljana
Classification: Pathogenic for Familial cancer of breast. Last evaluated: 2022-12-09. Review status: criteria provided, single submitter. Criteria: ACMG Guidelines, 2015. Collection method: research. Allele origin: germline. Affected: no.
Comment: PVS1, PM2_SUP, PS4_SUP

Department of Pathology and Laboratory Medicine, Sinai Health System
Classification: Likely pathogenic for Malignant tumor of breast. Review status: no assertion criteria provided. Collection method: clinical testing. Allele origin: unknown. Affected: yes. Study: The Canadian Open Genetics Repository (COGR). Not counted in ClinVar's aggregate classification.
Comment: The CHEK2 c.683+2T>C variant was not identified in the literature. The variant was identified in dbSNP (ID: rs781021132) as â€šÃ„ÃºNAâ€šÃ„Ã¹ and ClinVar (classified likely pathogenic by Invitae). The variant was identified in control databases in 1 of 207560 chromosomes at a frequency of 0.000005 (Genome Aggregation Database Feb 27, 2017), observed in the following population: European Non-Finnish in 1 of 90562 chromosomes (freq: 0.00001), while not observed in the African, Other, Latino, Ashkenazi Jewish, East Asian, Finnish, or South Asian populations. The c.683+2T>C variant is predicted to cause abnormal splicing because the nucleotide substitution occurs in the invariant region of the splice consensus sequence. However, only 2 of 4 in silico or computational prediction software programs (SpliceSiteFinder, MaxEntScan, NNSPLICE, GeneSplicer) predict a greater than 10% difference in splicing. In summary, based on the above information the clinical significance of this variant cannot be determined with certainty at this time although we would lean towards a more pathogenic role for this variant. This variant is classified as likely pathogenic.

Literature cited by the submitters: PubMed 32885271 (cited by Ambry Genetics and Labcorp Genetics (formerly Invitae), Labcorp); PubMed 16199547 (cited by Labcorp Genetics (formerly Invitae), Labcorp); PubMed 21876083 (cited by Labcorp Genetics (formerly Invitae), Labcorp); PubMed 24713400 (cited by Labcorp Genetics (formerly Invitae), Labcorp); PubMed 38091153 (cited by Labcorp Genetics (formerly Invitae), Labcorp).

NM_007194.4(CHEK2):c.683+2T>C

Gene: CHEK2 (checkpoint kinase 2; minus strand). Cytogenetic location: 22q12.1.
Variant type: single nucleotide variant.
Coding change: c.683+2T>C on transcript NM_007194.4 (MANE Select); the canonical splice donor site of the intron after coding-DNA position 683, T replaced by C.
Molecular consequence: splice donor variant. On other transcripts: intron variant (1).
Genome position (GRCh38, 1-based): chr22:28,719,393, A>G on the plus strand (T>C on the coding strand, the complement: CHEK2 is on the minus strand). VCF-style: chr22-28719393-A-G. GRCh37 (hg19) VCF-style: chr22-29115381-A-G.
Other names: c.20+2T>C (NM_001437942.1, NM_001257387.3); c.482+5493T>C (NM_001349956.3); c.683+2T>C (NM_145862.3); c.776+2T>C (NM_001438295.1, NM_001438293.1); c.812+2T>C (NM_001438294.1, NM_001005735.3).
Identifiers: ClinVar variation 565542 (VCV000565542.14), dbSNP rs781021132, ClinGen allele CA10167923.
Genomic context (GRCh38, chr22:28,719,393, plus strand): 5'-AACCACCAATCACAAATGTATAGTGAAAAAATTAAGTGCATTTATATAAGAAAATAATTT[A>G]CCTTCCAAGAGTTTTTGACATGATGTATTCATCTCTTAATGCCTTAGGATAAACTGACTG-3'